The following is an entry in ClinVar:

NM_001267550.2(TTN):c.66977A>G (p.Lys22326Arg)

Genes: TTN (titin; minus strand), TTN-AS1 (TTN antisense RNA 1; plus strand). Cytogenetic location: 2q31.2.
Variant type: single nucleotide variant.
Coding change: c.66977A>G on transcript NM_001267550.2 (MANE Select); coding-DNA position 66977, A replaced by G.
Protein change: p.Lys22326Arg; replaces lysine 22326 with arginine.
Molecular consequence: missense variant.
Genome position (GRCh38, 1-based): chr2:178,580,402, T>C on the plus strand (A>G on the coding strand, the complement: TTN is on the minus strand). VCF-style: chr2-178580402-T-C. GRCh37 (hg19) VCF-style: chr2-179445129-T-C.
Other names: p.K20685R:AAA>AGA; p.Lys20685Arg; c.62054A>G, p.Lys20685Arg (NM_001256850.1); c.59273A>G, p.Lys19758Arg (NM_133378.4); c.39782A>G, p.Lys13261Arg (NM_003319.4); c.40157A>G, p.Lys13386Arg (NM_133432.3); c.40358A>G, p.Lys13453Arg (NM_133437.4); short protein forms K22326R, K19758R, K20685R, K13261R, K13453R, K13386R.
Identifiers: ClinVar variation 47245 (VCV000047245.56), dbSNP rs202125813, ClinGen allele CA140441.

ClinVar aggregate classification (germline): Benign/Likely benign. Review status: criteria provided, multiple submitters, no conflicts (2 of 4 stars). 18 submissions from 15 submitters: Benign (7); Likely benign (8). 3 of the submissions do not count toward it. Last evaluated 2026-02-03.

Conditions:
Cardiovascular phenotype. Identifiers: MedGen CN230736.
Dilated cardiomyopathy 1G (CMD1G). Identifiers: Orphanet 154, MedGen C1858763, MONDO:0011400, OMIM 604145.
Autosomal recessive limb-girdle muscular dystrophy type 2J (LGMDR10). Also called: Limb-girdle muscular dystrophy, type 2J; MUSCULAR DYSTROPHY, LIMB-GIRDLE, AUTOSOMAL RECESSIVE 10. Identifiers: Orphanet 140922, MedGen C1837342, MONDO:0012127, OMIM 608807.
Early-onset myopathy with fatal cardiomyopathy (CMYO5). Also called: Salih Myopathy; CONGENITAL MYOPATHY 5 WITH CARDIOMYOPATHY. Identifiers: Orphanet 289377, MedGen C2673677, MONDO:0012714, OMIM 611705. Disease mechanism: loss of function.
Myopathy, myofibrillar, 9, with early respiratory failure (MFM9). Also called: Hereditary myopathy with early respiratory failure; Myopathy, distal, with early respiratory failure, autosomal dominant; EDSTROM MYOPATHY; MYOPATHY, PROXIMAL, WITH EARLY RESPIRATORY MUSCLE INVOLVEMENT. Identifiers: Orphanet 178464, Orphanet 34521, MedGen C1863599, MONDO:0011362, OMIM 603689.
Tibial muscular dystrophy (TMD). Also called: Udd Distal Myopathy – Tibial Muscular Dystrophy; Tibial muscular dystrophy, tardive; UDD MYOPATHY. Identifiers: Orphanet 609, MedGen C1838244, MONDO:0010870, OMIM 600334.

Allele frequency attached by ClinVar (database versions not stated): gnomAD exomes 0.00016 and 0.00037; ExAC 0.00041; 1000 Genomes Project 30x 0.00094; 1000 Genomes Project 0.00100; ESP Exome Variant Server 0.00117; gnomAD 0.00166 and 0.00189; TOPMed 0.00189.
gnomAD v4.1: 487 of 1,613,306 alleles (0.03%); highest among the groups gnomAD compares: African/African-American, 0.57%; 2 homozygotes.

Submissions (18):

Labcorp Genetics (formerly Invitae), Labcorp
Classification: Benign for Dilated cardiomyopathy 1G; Autosomal recessive limb-girdle muscular dystrophy type 2J. Last evaluated: 2026-02-03. Review status: criteria provided, single submitter. Criteria: Invitae Variant Classification Sherloc (09022015). Collection method: clinical testing. Allele origin: germline.

Mayo Clinic Laboratories, Mayo Clinic
Classification: Likely benign. Last evaluated: 2025-07-22. Review status: criteria provided, single submitter. Criteria: ACMG Guidelines, 2015. Collection method: clinical testing. Allele origin: germline. Observed: 2 variant alleles.
Comment: BS1, BP1, BP4

Blueprint Genetics
Classification: Likely benign. Last evaluated: 2024-11-13. Review status: criteria provided, single submitter. Criteria: ACMG Guidelines, 2015. Collection method: clinical testing. Allele origin: germline.

CeGaT Center for Human Genetics Tuebingen
Classification: Likely benign. Last evaluated: 2023-12-01. Review status: criteria provided, single submitter. Criteria: CeGaT Center For Human Genetics Tuebingen Variant Classification Criteria Version 2. Collection method: clinical testing. Allele origin: germline. Affected: yes. Observed: 1 variant allele.
Comment: TTN: BP4, BS2

Women's Health and Genetics/Laboratory Corporation of America, LabCorp
Classification: Benign. Last evaluated: 2021-11-29. Review status: criteria provided, single submitter. Criteria: LabCorp Variant Classification Summary - May 2015. Collection method: clinical testing. Allele origin: germline.
Comment: Variant summary: TTN c.59273A>G (p.Lys19758Arg) results in a conservative amino acid change located in the A-band region of the encoded protein sequence. Four of five in-silico tools predict a benign effect of the variant on protein function. The variant allele was found at a frequency of 0.00049 in 279656 control chromosomes, predominantly at a frequency of 0.0053 within the African or African-American subpopulation in the gnomAD database, including 2 homozygotes. The observed variant frequency within African or African-American control individuals in the gnomAD database is approximately 13.5-fold of the estimated maximal expected allele frequency for a pathogenic variant in TTN causing Dilated Cardiomyopathy phenotype (0.00039), strongly suggesting that the variant is a benign polymorphism found primarily in populations of African or African-American origin. This report does not provide unequivocal conclusions about association of the variant with Dilated Cardiomyopathy. To our knowledge, no experimental evidence demonstrating an impact on protein function has been reported. Four clinical diagnostic laboratories have submitted clinical-significance assessments for this variant to ClinVar after 2014 without evidence for independent evaluation. All laboratories classified the variant as benign (n=2) / likely benign (n=2). Based on the evidence outlined above, the variant was classified as benign.

Genome-Nilou Lab
Classification: Benign for Autosomal recessive limb-girdle muscular dystrophy type 2J. Last evaluated: 2021-09-10. Review status: criteria provided, single submitter. Criteria: ACMG Guidelines, 2015. Collection method: clinical testing. Allele origin: germline. Affected: no.

Genome-Nilou Lab
Classification: Benign for Myopathy, myofibrillar, 9, with early respiratory failure. Last evaluated: 2021-09-10. Review status: criteria provided, single submitter. Criteria: ACMG Guidelines, 2015. Collection method: clinical testing. Allele origin: germline. Affected: no.

Genome-Nilou Lab
Classification: Benign for Early-onset myopathy with fatal cardiomyopathy. Last evaluated: 2021-09-10. Review status: criteria provided, single submitter. Criteria: ACMG Guidelines, 2015. Collection method: clinical testing. Allele origin: germline. Affected: no.

Genome-Nilou Lab
Classification: Benign for Tibial muscular dystrophy. Last evaluated: 2021-09-10. Review status: criteria provided, single submitter. Criteria: ACMG Guidelines, 2015. Collection method: clinical testing. Allele origin: germline. Affected: no.

GeneDx
Classification: Likely benign. Last evaluated: 2020-09-18. Review status: criteria provided, single submitter. Criteria: GeneDx Variant Classification Process June 2021. Collection method: clinical testing. Allele origin: germline. Affected: yes.

Athena Diagnostics
Classification: Benign. Last evaluated: 2020-02-19. Review status: criteria provided, single submitter. Criteria: Athena Diagnostics Criteria. Collection method: clinical testing. Allele origin: unknown.

Ambry Genetics
Classification: Likely benign for Cardiovascular phenotype. Last evaluated: 2018-11-14. Review status: criteria provided, single submitter. Criteria: Ambry Variant Classification Scheme 2023. Collection method: clinical testing. Allele origin: germline.

Eurofins Ntd Llc (ga)
Classification: Likely benign. Last evaluated: 2015-11-12. Review status: criteria provided, single submitter. Criteria: EGL Classification Definitions 2015. Collection method: clinical testing. Allele origin: germline. Observed: 2 variant alleles, 2 heterozygotes.

Laboratory for Molecular Medicine, Mass General Brigham Personalized Medicine
Classification: Likely benign. Last evaluated: 2012-04-10. Review status: criteria provided, single submitter. Criteria: LMM Criteria. Collection method: clinical testing. Allele origin: germline. Observed: 4 variant alleles.
Comment: Lys19758Arg in exon 266 of TTN: This variant is not expected to have clinical si gnificance because it has been identified in 0.4% (12/3048) of African American chromosomes from a broad population by the NHLBI Exome Sequencing Project. Lys19758Arg in exon 266 of TTN (allele frequenc y = 0.4%, 12/3048) **

Breakthrough Genomics
Classification: Likely benign. Review status: criteria provided, single submitter. Criteria: ACMG Guidelines, 2015. Collection method: not provided. Allele origin: germline. Inheritance: Autosomal recessive inheritance. Affected: yes.

Clinical Genetics DNA and cytogenetics Diagnostics Lab, Erasmus MC, Erasmus Medical Center
Classification: Likely benign. Review status: no assertion criteria provided. Collection method: clinical testing. Allele origin: germline. Affected: yes. Study: VKGL Data-share Consensus. Not counted in ClinVar's aggregate classification.

Clinical Genetics, Academic Medical Center
Classification: Benign. Review status: no assertion criteria provided. Collection method: clinical testing. Allele origin: germline. Affected: yes. Study: VKGL Data-share Consensus. Not counted in ClinVar's aggregate classification.

Joint Genome Diagnostic Labs from Nijmegen and Maastricht, Radboudumc and MUMC+
Classification: Likely benign. Review status: no assertion criteria provided. Collection method: clinical testing. Allele origin: germline. Affected: yes. Study: VKGL Data-share Consensus. Not counted in ClinVar's aggregate classification.

Literature cited by the submitters: PubMed 23861362 (cited by Women's Health and Genetics/Laboratory Corporation of America, LabCorp); PubMed 24503780 (cited by Women's Health and Genetics/Laboratory Corporation of America, LabCorp).